The following is an entry in ClinVar:

ClinVar aggregate classification (germline): Benign/Likely benign. Review status: criteria provided, multiple submitters, no conflicts (2 of 4 stars). 10 submissions from 10 submitters: Benign (2); Likely benign (5). 3 of the submissions do not count toward it. Last evaluated 2026-09-01.

Conditions:
ARID1B-Related Disorder. Identifiers: MedGen CN381337.
Inborn genetic diseases. Identifiers: MedGen C0950123, MeSH D030342.

Submissions (10):

CeGaT Center for Human Genetics Tuebingen
Classification: Benign. Last evaluated: 2026-09-01. Review status: criteria provided, single submitter. Criteria: CeGaT Center For Human Genetics Tuebingen Variant Classification Criteria Version 2. Collection method: clinical testing. Allele origin: germline. Affected: yes. Observed: 31 variant alleles.
Comment: ARID1B: BS1, BS2

Labcorp Genetics (formerly Invitae), Labcorp
Classification: Likely benign. Last evaluated: 2026-01-26. Review status: criteria provided, single submitter. Criteria: Invitae Variant Classification Sherloc (09022015). Collection method: clinical testing. Allele origin: germline.

Blueprint Genetics
Classification: Likely benign. Last evaluated: 2024-10-21. Review status: criteria provided, single submitter. Criteria: ACMG Guidelines, 2015. Collection method: clinical testing. Allele origin: germline.

Ambry Genetics
Classification: Likely benign for Inborn genetic diseases. Last evaluated: 2021-04-28. Review status: criteria provided, single submitter. Criteria: Ambry Variant Classification Scheme 2023. Collection method: clinical testing. Allele origin: germline.

GeneDx
Classification: Benign. Last evaluated: 2020-01-03. Review status: criteria provided, single submitter. Criteria: GeneDx Variant Classification Process June 2021. Collection method: clinical testing. Allele origin: germline. Affected: yes.

Center for Pediatric Genomic Medicine, Children's Mercy Hospital and Clinics
Classification: Likely benign. Last evaluated: 2017-02-27. Review status: criteria provided, single submitter. Criteria: ACMG Guidelines, 2015. Collection method: clinical testing. Allele origin: germline.

Genetic Services Laboratory, University of Chicago
Classification: Likely benign. Last evaluated: 2015-02-26. Review status: criteria provided, single submitter. Criteria: ACMG Guidelines, 2015. Collection method: clinical testing. Allele origin: germline.

PreventionGenetics, part of Exact Sciences
Classification: Likely benign for ARID1B-related condition. Last evaluated: 2020-12-21. Review status: no assertion criteria provided. Collection method: clinical testing. Allele origin: germline. Not counted in ClinVar's aggregate classification.
Comment: This variant is classified as likely benign based on ACMG/AMP sequence variant interpretation guidelines (Richards et al. 2015 PMID: 25741868, with internal and published modifications).

Diagnostic Laboratory, Department of Genetics, University Medical Center Groningen
Classification: Likely benign. Review status: no assertion criteria provided. Collection method: clinical testing. Allele origin: germline. Affected: yes. Study: VKGL Data-share Consensus. Not counted in ClinVar's aggregate classification.

Laboratory of Diagnostic Genome Analysis, Leiden University Medical Center (LUMC)
Classification: Likely benign. Review status: no assertion criteria provided. Collection method: clinical testing. Allele origin: germline. Affected: yes. Study: VKGL Data-share Consensus. Not counted in ClinVar's aggregate classification.

NM_001374828.1(ARID1B):c.1211GAG[9] (p.Gly411_Ala412insGly)

Gene: ARID1B (AT-rich interaction domain 1B; plus strand). Cytogenetic location: 6q25.3.
Variant type: Microsatellite.
Coding change: c.1211GAG[9] on transcript NM_001374828.1 (MANE Select); nine copies in a row of the 3-base unit GAG starting at c.1211; the reference has eight copies in a row; one copy, 3 bases duplicated.
Protein change: p.Gly411_Ala412insGly.
Molecular consequence: inframe insertion.
Genome position (GRCh38, 1-based): chr6:156,778,912-156,778,914, GAG duplicated; duplicating any 3 consecutive bases within chr6:156,778,890-156,778,914 gives the same sequence; the position shown is the placement nearest the transcript's 3' end. VCF-style (leftmost placement, unchanged base first): chr6-156778889-C-CGGA. GRCh37 (hg19) VCF-style: chr6-157100023-C-CGGA.
Other names: c.1211GAG[9], p.Gly411_Ala412insGly (NM_001371656.1, NM_001374820.1, NM_017519.3); c.983_985dupGAG (NM_020732.3).
Identifiers: ClinVar variation 210314 (VCV000210314.46), dbSNP rs747790383, ClinGen allele CA207591.